The following is an entry in ClinVar:

ClinVar aggregate classification (germline): Uncertain significance (1 of 4 stars; one submission).

Conditions:
Retinitis pigmentosa 12 (RP12). Also called: RP WITH OR WITHOUT PPRPE; RP WITH OR WITHOUT PRESERVED PARAARTERIOLE RETINAL PIGMENT EPITHELIUM; RETINITIS PIGMENTOSA WITH OR WITHOUT PARAARTERIOLAR PRESERVATION OF RETINAL PIGMENT EPITHELIUM. Identifiers: Orphanet 791, MedGen C1838647, MONDO:0010818, OMIM 600105.
Leber congenital amaurosis 8 (LCA8). Identifiers: Orphanet 65, MedGen C3151202, MONDO:0013453, OMIM 613835.

Allele frequency attached by ClinVar (database versions not stated): gnomAD exomes below 0.00001.
gnomAD v4.1: 1 of 1,613,998 alleles (0.000062%); highest among the groups gnomAD compares: East Asian, 0.0022%; no homozygotes.

Submission:

Labcorp Genetics (formerly Invitae), Labcorp
Classification: Uncertain significance for Leber congenital amaurosis 8; Retinitis pigmentosa 12. Last evaluated: 2023-02-10. Review status: criteria provided, single submitter. Criteria: Invitae Variant Classification Sherloc (09022015). Collection method: clinical testing. Allele origin: germline.
Comment: Algorithms developed to predict the effect of missense changes on protein structure and function (SIFT, PolyPhen-2, Align-GVGD) all suggest that this variant is likely to be disruptive. In summary, the available evidence is currently insufficient to determine the role of this variant in disease. Therefore, it has been classified as a Variant of Uncertain Significance. This variant has not been reported in the literature in individuals affected with CRB1-related conditions. This variant is not present in population databases (gnomAD no frequency). This sequence change replaces arginine, which is basic and polar, with lysine, which is basic and polar, at codon 856 of the CRB1 protein (p.Arg856Lys).

NM_201253.3(CRB1):c.2567G>A (p.Arg856Lys)

Gene: CRB1 (crumbs cell polarity complex component 1; plus strand). Cytogenetic location: 1q31.3.
Variant type: single nucleotide variant.
Coding change: c.2567G>A on transcript NM_201253.3 (MANE Select); coding-DNA position 2567, G replaced by A.
Protein change: p.Arg856Lys; replaces arginine 856 with lysine.
Molecular consequence: missense variant. On other transcripts: non-coding transcript variant (2), intron variant (1).
Genome position (GRCh38, 1-based): chr1:197,427,892, G>A. VCF-style: chr1-197427892-G-A. GRCh37 (hg19) VCF-style: chr1-197397022-G-A.
Other names: c.2231G>A, p.Arg744Lys (NM_001193640.2); c.2360G>A, p.Arg787Lys (NM_001257965.2); c.2128+5936G>A (NM_001257966.2); short protein forms R787K, R856K, R744K.
Identifiers: ClinVar variation 2944131 (VCV002944131.3), dbSNP rs2528152364, ClinGen allele CA344038307.